The following is an entry in ClinVar:

ClinVar aggregate classification (germline): Pathogenic (1 of 4 stars; one submission).

Conditions:
Autosomal dominant nonsyndromic hearing loss 65. Also called: Deafness, autosomal dominant 65; TBC1D24-Related Autosomal Dominant Nonsyndromic Hearing Loss (DFNA). Identifiers: Orphanet 90635, MedGen C3892048, MONDO:0014470, OMIM 616044.
Developmental and epileptic encephalopathy, 1 (DEE1). Also called: INFANTILE SPASM SYNDROME, X-LINKED 1; X-linked infantile spasms; West's syndrome; Tonic spasms with clustering, arrest of psychomotor development and hypsarrhythmia on EEG; X-Linked Infantile Spasm Syndrome; OHTAHARA SYNDROME, X-LINKED. Identifiers: MedGen C3463992, MONDO:0010632, OMIM 308350. Disease mechanism: loss of function.

gnomAD v4.1: 2 of 1,614,118 alleles (0.00012%); highest among the groups gnomAD compares: Non-Finnish European, 0.000085%; no homozygotes.

Submission:

Labcorp Genetics (formerly Invitae), Labcorp
Classification: Pathogenic for Developmental and epileptic encephalopathy, 1; Autosomal dominant nonsyndromic hearing loss 65. Last evaluated: 2024-07-30. Review status: criteria provided, single submitter. Criteria: Invitae Variant Classification Sherloc (09022015). Collection method: clinical testing. Allele origin: germline.
Comment: This sequence change creates a premature translational stop signal (p.Trp412*) in the TBC1D24 gene. It is expected to result in an absent or disrupted protein product. Loss-of-function variants in TBC1D24 are known to be pathogenic (PMID: 23526554, 24291220). This variant is not present in population databases (gnomAD no frequency). This variant has not been reported in the literature in individuals affected with TBC1D24-related conditions. Algorithms developed to predict the effect of sequence changes on RNA splicing suggest that this variant may disrupt the consensus splice site. For these reasons, this variant has been classified as Pathogenic.

Literature cited by the submitters: PubMed 23526554; PubMed 24291220.

NM_001199107.2(TBC1D24):c.1235G>A (p.Trp412Ter)

Gene: TBC1D24 (TBC1 domain family member 24; plus strand). Cytogenetic location: 16p13.3.
Variant type: single nucleotide variant.
Coding change: c.1235G>A on transcript NM_001199107.2 (MANE Select); coding-DNA position 1235, G replaced by A.
Protein change: p.Trp412Ter; replaces tryptophan 412 with a stop codon.
Molecular consequence: nonsense.
Genome position (GRCh38, 1-based): chr16:2,499,863, G>A. VCF-style: chr16-2499863-G-A. GRCh37 (hg19) VCF-style: chr16-2549864-G-A.
Other names: c.1217G>A, p.Trp406Ter (NM_020705.3); short protein forms W406*, W412*.
Identifiers: ClinVar variation 3756846 (VCV003756846.2).